The following is an entry in ClinVar:

ClinVar aggregate classification (germline): Pathogenic (1 of 4 stars; one submission).

Conditions:
Baller-Gerold syndrome (BGS). Also called: CRANIOSYNOSTOSIS WITH RADIAL DEFECTS. Identifiers: Orphanet 1225, MedGen C0265308, MONDO:0009039, OMIM 218600.

Submission:

Labcorp Genetics (formerly Invitae), Labcorp
Classification: Pathogenic for Baller-Gerold syndrome. Last evaluated: 2021-09-18. Review status: criteria provided, single submitter. Criteria: Invitae Variant Classification Sherloc (09022015). Collection method: clinical testing. Allele origin: germline.
Comment: For these reasons, this variant has been classified as Pathogenic. ClinVar contains an entry for this variant (Variation ID: 239722). This variant has not been reported in the literature in individuals affected with RECQL4-related conditions. This variant is not present in population databases (ExAC no frequency). This sequence change creates a premature translational stop signal (p.Ser794Lysfs*50) in the RECQL4 gene. It is expected to result in an absent or disrupted protein product. Loss-of-function variants in RECQL4 are known to be pathogenic (PMID: 12734318, 12952869).

Literature cited by the submitters: PubMed 12734318; PubMed 12952869.

NM_004260.4(RECQL4):c.2379_2380dup (p.Ser794fs)

Gene: RECQL4 (RecQ like helicase 4; minus strand). Cytogenetic location: 8q24.3.
Variant type: Duplication.
Coding change: c.2379_2380dup on transcript NM_004260.4 (MANE Select); coding-DNA positions 2379 to 2380, 2 bases duplicated (AA; older notation c.2379_2380dupAA).
Protein change: p.Ser794fs; shifts the reading frame from serine 794.
Molecular consequence: frameshift variant.
Genome position (GRCh38, 1-based): chr8:144,513,301-144,513,302, TT duplicated on the plus strand (AA on the coding strand, the reverse complement: RECQL4 is on the minus strand). VCF-style (leftmost placement, unchanged base first): chr8-144513300-C-CTT. GRCh37 (hg19) VCF-style: chr8-145738683-C-CTT.
Other names: short protein forms S794fs.
Identifiers: ClinVar variation 239722 (VCV000239722.5), dbSNP rs878854645, ClinGen allele CA10582563.